The following is an entry in ClinVar:

ClinVar aggregate classification (germline): Uncertain significance. Review status: criteria provided, multiple submitters, no conflicts (2 of 4 stars). 3 submissions from 3 submitters: Uncertain significance (3). Last evaluated 2022-06-26.

Conditions:
Autosomal recessive nonsyndromic hearing loss 30. Identifiers: Orphanet 90636, MedGen C1846784, MONDO:0011774, OMIM 607101.

Allele frequency attached by ClinVar (database versions not stated): gnomAD 0.00001 and 0.00006; TOPMed 0.00002; gnomAD exomes 0.00009 and 0.00015; ExAC 0.00016; 1000 Genomes Project 30x 0.00109; 1000 Genomes Project 0.00120.
gnomAD v4.1: 133 of 1,614,058 alleles (0.0082%); highest among the groups gnomAD compares: South Asian, 0.13%; 1 homozygote.

Submissions (3):

Labcorp Genetics (formerly Invitae), Labcorp
Classification: Uncertain significance. Last evaluated: 2022-06-26. Review status: criteria provided, single submitter. Criteria: Invitae Variant Classification Sherloc (09022015). Collection method: clinical testing. Allele origin: germline.
Comment: In summary, the available evidence is currently insufficient to determine the role of this variant in disease. Therefore, it has been classified as a Variant of Uncertain Significance. Algorithms developed to predict the effect of missense changes on protein structure and function are either unavailable or do not agree on the potential impact of this missense change (SIFT: "Deleterious"; PolyPhen-2: "Probably Damaging"; Align-GVGD: "Class C15"). ClinVar contains an entry for this variant (Variation ID: 879443). This variant has not been reported in the literature in individuals affected with MYO3A-related conditions. This variant is present in population databases (rs201181958, gnomAD 0.1%). This sequence change replaces glycine, which is neutral and non-polar, with arginine, which is basic and polar, at codon 659 of the MYO3A protein (p.Gly659Arg).

GeneDx
Classification: Uncertain significance. Last evaluated: 2018-12-21. Review status: criteria provided, single submitter. Criteria: GeneDx Variant Classification Process June 2021. Collection method: clinical testing. Allele origin: germline. Affected: yes.
Comment: In silico analysis, which includes protein predictors and evolutionary conservation, supports a deleterious effect; Has not been previously published as pathogenic or benign to our knowledge

Illumina Laboratory Services, Illumina
Classification: Uncertain significance for Autosomal recessive nonsyndromic hearing loss 30. Last evaluated: 2018-01-12. Review status: criteria provided, single submitter. Criteria: ICSL Variant Classification Criteria 13 December 2019. Collection method: clinical testing. Allele origin: germline.

NM_017433.5(MYO3A):c.1975G>A (p.Gly659Arg)

Gene: MYO3A (myosin IIIA; plus strand). Cytogenetic location: 10p12.1.
Variant type: single nucleotide variant.
Coding change: c.1975G>A on transcript NM_017433.5 (MANE Select); coding-DNA position 1975, G replaced by A.
Protein change: p.Gly659Arg; replaces glycine 659 with arginine.
Molecular consequence: missense variant.
Genome position (GRCh38, 1-based): chr10:26,125,469, G>A. VCF-style: chr10-26125469-G-A. GRCh37 (hg19) VCF-style: chr10-26414398-G-A.
Other names: short protein forms G659R.
Identifiers: ClinVar variation 879443 (VCV000879443.10), dbSNP rs201181958, ClinGen allele CA5444833.
Genomic context (GRCh38, chr10:26,125,469, plus strand): 5'-CTTTGCATTCGGGCAGATGAGCTACAAGAAGCTCTCACCTCCCACTGTGTGGTCACTAGA[G>A]GAGAAACAATTATACGACCCAATACTGTAGAAAAAGCTACCGATGTCAGGGATGCCATGG-3'
Protein context (NP_059129.3, residues 649-669): ALTSHCVVTR[Gly659Arg]ETIIRPNTVE